The following is an entry in ClinVar:

ClinVar aggregate classification (germline): Uncertain significance (1 of 4 stars; one submission).

Allele frequency attached by ClinVar (database versions not stated): gnomAD exomes below 0.00001; TOPMed 0.00001; ExAC 0.00002; gnomAD 0.00004.

Submission:

Labcorp Genetics (formerly Invitae), Labcorp
Classification: Uncertain significance. Last evaluated: 2024-11-13. Review status: criteria provided, single submitter. Criteria: Invitae Variant Classification Sherloc (09022015). Collection method: clinical testing. Allele origin: germline.
Comment: This sequence change replaces valine, which is neutral and non-polar, with alanine, which is neutral and non-polar, at codon 675 of the SON protein (p.Val675Ala). This variant is present in population databases (rs746831550, gnomAD 0.02%). This variant has not been reported in the literature in individuals affected with SON-related conditions. ClinVar contains an entry for this variant (Variation ID: 1983387). An algorithm developed to predict the effect of missense changes on protein structure and function (PolyPhen-2) suggests that this variant is likely to be disruptive. In summary, the available evidence is currently insufficient to determine the role of this variant in disease. Therefore, it has been classified as a Variant of Uncertain Significance.

NM_138927.4(SON):c.2024T>C (p.Val675Ala)

Gene: SON (SON DNA and RNA binding protein; plus strand). Cytogenetic location: 21q22.11.
Variant type: single nucleotide variant.
Coding change: c.2024T>C on transcript NM_138927.4 (MANE Select); coding-DNA position 2024, T replaced by C.
Protein change: p.Val675Ala; replaces valine 675 with alanine.
Molecular consequence: missense variant. On other transcripts: non-coding transcript variant (1), intron variant (1).
Genome position (GRCh38, 1-based): chr21:33,551,255, T>C. VCF-style: chr21-33551255-T-C. GRCh37 (hg19) VCF-style: chr21-34923561-T-C.
Other names: c.2024T>C, p.Val675Ala (NM_001291411.2, NM_001412133.1, NM_032195.3 and 2 more transcripts); c.244+4876T>C (NM_001291412.3); short protein forms V675A.
Identifiers: ClinVar variation 1983387 (VCV001983387.4), dbSNP rs746831550, ClinGen allele CA10009010.
Genomic context (GRCh38, chr21:33,551,255, plus strand): 5'-TTCAGTCTGTGGTGACAACATCGGAGCTGTCAACGATGACCGTGTCGCAGTCCCTGGAGG[T>C]GCCCTCGACGACAGCGCTGGAATCCTATAATACGGTAGCACAGGAGCTGCCTACTACATT-3'
Protein context (NP_620305.3, residues 665-685): STMTVSQSLE[Val675Ala]PSTTALESYN